The following is an entry in ClinVar:

ClinVar aggregate classification (germline): Pathogenic. Review status: criteria provided, multiple submitters, no conflicts (2 of 4 stars). 3 submissions from 3 submitters: Pathogenic (2). 1 of the submissions does not count toward it. Last evaluated 2023-06-29.

Conditions:
Deficiency of steroid 11-beta-monooxygenase (CYP11B1). Also called: ADRENAL HYPERPLASIA, CONGENITAL, DUE TO STEROID 11-BETA-HYDROXYLASE DEFICIENCY; 11-BETA-HYDROXYLASE DEFICIENCY; Congenital adrenal hyperplasia due to 11-beta-hydroxylase deficiency; P450C11B1 DEFICIENCY; STEROID 11-BETA-HYDROXYLASE DEFICIENCY; ADRENAL HYPERPLASIA IV. Identifiers: Orphanet 90795, MedGen C0268292, MONDO:0008729, OMIM 202010. Disease mechanism: loss of function.

Submissions (3):

Baylor Genetics
Classification: Pathogenic for Deficiency of steroid 11-beta-monooxygenase. Last evaluated: 2023-06-29. Review status: criteria provided, single submitter. Criteria: ACMG Guidelines, 2015. Collection method: clinical testing. Allele origin: unknown.

Labcorp Genetics (formerly Invitae), Labcorp
Classification: Pathogenic. Last evaluated: 2022-11-29. Review status: criteria provided, single submitter. Criteria: Invitae Variant Classification Sherloc (09022015). Collection method: clinical testing. Allele origin: germline.
Comment: This sequence change creates a premature translational stop signal (p.Gln73*) in the CYP11B1 gene. It is expected to result in an absent or disrupted protein product. Loss-of-function variants in CYP11B1 are known to be pathogenic (PMID: 8506298, 26476331). This variant is not present in population databases (gnomAD no frequency). This premature translational stop signal has been observed in individual(s) with CYP11B1-related conditions (PMID: 32850530). ClinVar contains an entry for this variant (Variation ID: 557913). For these reasons, this variant has been classified as Pathogenic.

Counsyl
Classification: Likely pathogenic for Deficiency of steroid 11-beta-monooxygenase. Last evaluated: 2018-04-20. Review status: no assertion criteria provided. Collection method: clinical testing. Allele origin: unknown. Not counted in ClinVar's aggregate classification.

Literature cited by the submitters: PubMed 8506298 (cited by Labcorp Genetics (formerly Invitae), Labcorp); PubMed 26476331 (cited by Labcorp Genetics (formerly Invitae), Labcorp); PubMed 32850530 (cited by Labcorp Genetics (formerly Invitae), Labcorp).

NM_000497.4(CYP11B1):c.217C>T (p.Gln73Ter)

Gene: CYP11B1 (cytochrome P450 family 11 subfamily B member 1; minus strand). Cytogenetic location: 8q24.3.
Variant type: single nucleotide variant.
Coding change: c.217C>T on transcript NM_000497.4 (MANE Select); coding-DNA position 217, C replaced by T.
Protein change: p.Gln73Ter; replaces glutamine 73 with a stop codon.
Molecular consequence: nonsense.
Genome position (GRCh38, 1-based): chr8:142,879,597, G>A on the plus strand (C>T on the coding strand, the complement: CYP11B1 is on the minus strand). VCF-style: chr8-142879597-G-A. GRCh37 (hg19) VCF-style: chr8-143961013-G-A.
Other names: c.217C>T, p.Gln73Ter (NM_001026213.1); short protein forms Q73*.
Identifiers: ClinVar variation 557913 (VCV000557913.10), dbSNP rs1554653675, ClinGen allele CA372397102.